The following is an entry in ClinVar:

ClinVar aggregate classification (germline): Likely benign (1 of 4 stars; one submission).

Allele frequency attached by ClinVar (database versions not stated): 1000 Genomes Project 0.00260; 1000 Genomes Project 30x 0.00265; ExAC 0.00478; gnomAD 0.00500; TOPMed 0.00538; ESP Exome Variant Server 0.00723; gnomAD exomes 0.00770.

Submission:

CeGaT Center for Human Genetics Tuebingen
Classification: Likely benign. Last evaluated: 2024-01-01. Review status: criteria provided, single submitter. Criteria: CeGaT Center For Human Genetics Tuebingen Variant Classification Criteria Version 2. Collection method: clinical testing. Allele origin: germline. Affected: yes. Observed: 1 variant allele.
Comment: TRIB3: BS2

NM_021158.5(TRIB3):c.437G>A (p.Ser146Asn)

Gene: TRIB3 (tribbles pseudokinase 3; plus strand). Cytogenetic location: 20p13.
Variant type: single nucleotide variant.
Coding change: c.437G>A on transcript NM_021158.5 (MANE Select); coding-DNA position 437, G replaced by A.
Protein change: p.Ser146Asn; replaces serine 146 with asparagine.
Molecular consequence: missense variant.
Genome position (GRCh38, 1-based): chr20:391,432, G>A. VCF-style: chr20-391432-G-A. GRCh37 (hg19) VCF-style: chr20-372076-G-A.
Other names: c.437G>A, p.Ser146Asn (NM_001301188.1, NM_001301190.1, NM_001301193.1 and 1 more transcripts); c.518G>A, p.Ser173Asn (NM_001301201.1); short protein forms S146N, S173N.
Identifiers: ClinVar variation 3024848 (VCV003024848.22), dbSNP rs41281850, ClinGen allele CA9722605.